The following is an entry in ClinVar:

NM_000444.6(PHEX):c.1957G>C (p.Ala653Pro)

Genes: PHEX (phosphate regulating endopeptidase X-linked; plus strand), PTCHD1-AS (PTCHD1 and PHEX antisense RNA; minus strand). Cytogenetic location: Xp22.11.
Variant type: single nucleotide variant.
Coding change: c.1957G>C on transcript NM_000444.6 (MANE Select); coding-DNA position 1957, G replaced by C.
Protein change: p.Ala653Pro; replaces alanine 653 with proline.
Molecular consequence: missense variant.
Genome position (GRCh38, 1-based): chrX:22,226,500, G>C. VCF-style: chrX-22226500-G-C. GRCh37 (hg19) VCF-style: chrX-22244617-G-C.
Other names: c.1957G>C, p.Ala653Pro (NM_001282754.2); short protein forms A653P.
Identifiers: ClinVar variation 2091320 (VCV002091320.5), dbSNP rs2518674891, ClinGen allele CA412574247.
Genomic context (GRCh38, chrX:22,226,500, plus strand): 5'-TAGGTCAAGGGGAAGAGGACCCTGGGAGAAAATATTGCTGATAATGGAGGCCTGCGGGAA[G>C]CTTTTAGGGTATGCGCTGCTACATTTACCGTGGTTCTAAAAATCAAGCCATAAAACACCA-3'
Protein context (NP_000435.3, residues 643-663): NIADNGGLRE[Ala653Pro]FRAYRKWIND

ClinVar aggregate classification (germline): Likely pathogenic. Review status: criteria provided, single submitter (1 of 4 stars). 2 submissions from 2 submitters: Likely pathogenic (1). 1 of the submissions does not count toward it. Last evaluated 2024-03-04.

Conditions:
Childhood hypophosphatasia. Identifiers: Orphanet 247667, Orphanet 436, MedGen C0220743, MONDO:1010168, OMIM 241510, MONDO:0009428.

Submissions (2):

Labcorp Genetics (formerly Invitae), Labcorp
Classification: Likely pathogenic. Last evaluated: 2024-03-04. Review status: criteria provided, single submitter. Criteria: Invitae Variant Classification Sherloc (09022015). Collection method: clinical testing. Allele origin: germline.
Comment: This sequence change replaces alanine, which is neutral and non-polar, with proline, which is neutral and non-polar, at codon 653 of the PHEX protein (p.Ala653Pro). This variant is not present in population databases (gnomAD no frequency). This missense change has been observed in individual(s) with clinical features of hypophosphatemic rickets (Invitae). ClinVar contains an entry for this variant (Variation ID: 2091320). Advanced modeling of protein sequence and biophysical properties (such as structural, functional, and spatial information, amino acid conservation, physicochemical variation, residue mobility, and thermodynamic stability) performed at Invitae indicates that this missense variant is expected to disrupt PHEX protein function with a positive predictive value of 95%. This variant disrupts the p.Ala653 amino acid residue in PHEX. Other variant(s) that disrupt this residue have been determined to be pathogenic (PMID: 22101457; Invitae). This suggests that this residue is clinically significant, and that variants that disrupt this residue are likely to be disease-causing. In summary, the currently available evidence indicates that the variant is pathogenic, but additional data are needed to prove that conclusively. Therefore, this variant has been classified as Likely Pathogenic.

Department of Pediatric Endocrinology, Shriners Hospitals for Children - Mexico City
No classification provided. Condition: Childhood hypophosphatasia. Review status: no classification provided. Collection method: phenotyping only. Allele origin: germline. Inheritance: X-linked dominant inheritance. Affected: yes. Observed: 2 variant alleles. Not counted in ClinVar's aggregate classification.

Literature cited by the submitters: PubMed 22101457 (cited by Labcorp Genetics (formerly Invitae), Labcorp).